The following is an entry in ClinVar:

NM_007194.4(CHEK2):c.1147A>G (p.Thr383Ala)

Gene: CHEK2 (checkpoint kinase 2; minus strand). Cytogenetic location: 22q12.1.
Variant type: single nucleotide variant.
Coding change: c.1147A>G on transcript NM_007194.4 (MANE Select); coding-DNA position 1147, A replaced by G.
Protein change: p.Thr383Ala; replaces threonine 383 with alanine.
Molecular consequence: missense variant.
Genome position (GRCh38, 1-based): chr22:28,695,822, T>C on the plus strand (A>G on the coding strand, the complement: CHEK2 is on the minus strand). VCF-style: chr22-28695822-T-C. GRCh37 (hg19) VCF-style: chr22-29091810-T-C.
Other names: c.1276A>G, p.Thr426Ala (NM_001005735.3); c.484A>G, p.Thr162Ala (NM_001257387.3); c.946A>G, p.Thr316Ala (NM_001349956.3); c.1060A>G, p.Thr354Ala (NM_145862.3); short protein forms T316A, T383A, T162A, T426A, T354A.
Identifiers: ClinVar variation 822253 (VCV000822253.10), dbSNP rs769439021, ClinGen allele CA10167718.

ClinVar aggregate classification (germline): Conflicting classifications of pathogenicity. Review status: criteria provided, conflicting classifications (1 of 4 stars). 4 submissions from 4 submitters: Likely pathogenic (1); Uncertain significance (2). 1 of the submissions does not count toward it. Last evaluated 2025-07-25.

Conditions:
Hereditary cancer-predisposing syndrome. Also called: Tumor predisposition; Hereditary Cancer Syndrome; Neoplastic Syndromes, Hereditary; Hereditary neoplastic syndrome. Identifiers: Orphanet 140162, MedGen C0027672, MeSH D009386, MONDO:0015356.
Familial cancer of breast. Also called: BREAST CANCER, FAMILIAL; Hereditary breast cancer; hereditary breast carcinoma. Identifiers: Orphanet 227535, MedGen C0346153, MONDO:0016419, OMIM 114480. Disease mechanism: loss of function.
Malignant tumor of breast. Also called: Malignant breast neoplasm; Cancer breast. Identifiers: MedGen C0006142, MONDO:0007254. Disease mechanism: loss of function.

Allele frequency attached by ClinVar (database versions not stated): gnomAD exomes below 0.00001; ExAC 0.00001.
gnomAD v4.1: 5 of 1,613,830 alleles (0.00031%); highest among the groups gnomAD compares: Non-Finnish European, 0.00042%; no homozygotes.

Submissions (4):

Ambry Genetics
Classification: Uncertain significance for Hereditary cancer-predisposing syndrome. Last evaluated: 2025-07-25. Review status: criteria provided, single submitter. Criteria: Ambry Variant Classification Scheme 2023. Collection method: clinical testing. Allele origin: germline.
Comment: The p.T383A variant (also known as c.1147A>G), located in coding exon 10 of the CHEK2 gene, results from an A to G substitution at nucleotide position 1147. The threonine at codon 383 is replaced by alanine, an amino acid with similar properties. This variant was observed in 1/3251 individuals who met eligibility criteria for hereditary breast and ovarian cancer syndrome; however, this individual also carried a pathogenic BRCA1 mutation (Lerner-Ellis J et al. J Cancer Res Clin Oncol, 2021 Mar;147:871-879). This alteration has also been reported in at least one subject in a study of 13087 breast cancer cases and 5488 control individuals in the UK (Decker B et al. J Med Genet, 2017 11;54:732-741). In phosphorylation assays, this alteration showed dramatically reduced kinase activity (Guo X et al. J Biol Chem, 2010 Oct;285:33348-33357; Lee CH et al. J Biol Chem, 2001 Aug;276:30537-41). This amino acid position is highly conserved in available vertebrate species. In addition, this alteration is predicted to be deleterious by in silico analysis. Since supporting evidence is limited at this time, the clinical significance of this alteration remains unclear.

Baylor Genetics
Classification: Uncertain significance for Familial cancer of breast. Last evaluated: 2024-01-17. Review status: criteria provided, single submitter. Criteria: ACMG Guidelines, 2015. Collection method: clinical testing. Allele origin: unknown.

Myriad Genetics, Inc.
Classification: Likely pathogenic for Familial cancer of breast. Last evaluated: 2023-06-28. Review status: criteria provided, single submitter. Criteria: Myriad Autosomal Dominant, Autosomal Recessive and X-Linked Classification Criteria (2023). Collection method: clinical testing. Allele origin: unknown.
Comment: This variant is considered likely pathogenic. Functional studies indicate this variant impacts protein function [PMID: 11390408, 20713355].

Department of Pathology and Laboratory Medicine, Sinai Health System
Classification: Uncertain significance for Malignant tumor of breast. Review status: no assertion criteria provided. Collection method: clinical testing. Allele origin: unknown. Affected: yes. Observed: 1 variant allele. Study: The Canadian Open Genetics Repository (COGR). Not counted in ClinVar's aggregate classification.
Comment: The CHEK2 p.Thr383Ala variant was not identified in the literature nor was it identified in the ClinVar database. The variant was identified in dbSNP (ID: rs769439021) as "NA". The variant was identified in control databases in 1 of 245892 chromosomes at a frequency of 0.000004 (Genome Aggregation Database Feb 27, 2017). The variant was observed in the following populations: European Non-Finnish in 1 of 111376 chromosomes (freq: 0.000009), while the variant was not observed in the African, Other, Latino, Ashkenazi Jewish, East Asian, European Finnish, and South Asian populations. The p.Thr383 residue is conserved across mammals and other organisms, and four out of five computational analyses (PolyPhen-2, SIFT, AlignGVGD, BLOSUM, MutationTaster) suggest that the variant may impact the protein; however, this information is not predictive enough to assume pathogenicity. The variant occurs outside of the splicing consensus sequence and 1 of 4 in silico or computational prediction software programs (SpliceSiteFinder, MaxEntScan, NNSPLICE, GeneSplicer) predict a greater than 10% difference in splicing; this is not very predictive of pathogenicity. In summary, based on the above information the clinical significance of this variant cannot be determined with certainty at this time. This variant is classified as a variant of uncertain significance.

Literature cited by the submitters: PubMed 11390408 (cited by Ambry Genetics and Myriad Genetics, Inc.); PubMed 16835864 (cited by Ambry Genetics); PubMed 20713355 (cited by Ambry Genetics and Myriad Genetics, Inc.); PubMed 28779002 (cited by Ambry Genetics); PubMed 32885271 (cited by Ambry Genetics).